The following is an entry in ClinVar:

ClinVar aggregate classification (germline): Uncertain significance (1 of 4 stars; one submission).

Allele frequency attached by ClinVar (database versions not stated): gnomAD exomes below 0.00001; ExAC 0.00001; gnomAD 0.00001.
gnomAD v4.1: 5 of 1,592,060 alleles (0.00031%); highest among the groups gnomAD compares: South Asian, 0.0033%; no homozygotes.

Submission:

Women's Health and Genetics/Laboratory Corporation of America, LabCorp
Classification: Uncertain significance. Last evaluated: 2023-06-13. Review status: criteria provided, single submitter. Criteria: LabCorp Variant Classification Summary - May 2015. Collection method: clinical testing. Allele origin: germline.
Comment: Variant summary: MTSS2 c.291-8C>T alters a non-conserved nucleotide located close to a canonical splice site and therefore could affect mRNA splicing, leading to a significantly altered protein sequence. 4/4 computational tools predict no significant impact on normal splicing. However, these predictions have yet to be confirmed by functional studies. The variant allele was found at a frequency of 9e-06 (i.e., 2 heterozygotes) in 221280 control chromosomes (gnomAD v2.1.1). The available data on variant occurrences in the general population are insufficient to allow any conclusion about variant significance. To our knowledge, no occurrence of c.291-8C>T in individuals affected with Intellectual Developmental Disorder With Ocular Anomalies And Distinctive Facial Features and no experimental evidence demonstrating its impact on protein function have been reported. No clinical diagnostic laboratories have submitted clinical-significance assessments for this variant to ClinVar after 2014. Based on the evidence outlined above, the variant was classified as uncertain significance.

NM_138383.3(MTSS2):c.291-8C>T

Gene: MTSS2 (MTSS I-BAR domain containing 2; minus strand). Cytogenetic location: 16q22.1.
Variant type: single nucleotide variant.
Coding change: c.291-8C>T on transcript NM_138383.3 (MANE Select); 8 bases into the intron before coding-DNA position 291, C replaced by T.
Molecular consequence: intron variant.
Genome position (GRCh38, 1-based): chr16:70,679,885, G>A on the plus strand (C>T on the coding strand, the complement: MTSS2 is on the minus strand). VCF-style: chr16-70679885-G-A. GRCh37 (hg19) VCF-style: chr16-70713788-G-A.
Identifiers: ClinVar variation 2573344 (VCV002573344.1), dbSNP rs764101981, ClinGen allele CA8147142.
Genomic context (GRCh38, chr16:70,679,885, plus strand): 5'-TCCAGTCCTCGATGCGCTCCTGCAGCGGGTTGATGAGGCTCTCCAGCAGTGCGCTGCGGA[G>A]GGCGGGCGGGAGCGCAGGTCAGGGCCGGGCTCCCCCGCGACGCCCCGTCCCCCCGCCCCC-3'